The following is an entry in ClinVar:

NM_001105206.3(LAMA4):c.4514A>G (p.His1505Arg)

Gene: LAMA4 (laminin subunit alpha 4; minus strand). Cytogenetic location: 6q21.
Variant type: single nucleotide variant.
Coding change: c.4514A>G on transcript NM_001105206.3 (MANE Select); coding-DNA position 4514, A replaced by G.
Protein change: p.His1505Arg; replaces histidine 1505 with arginine.
Molecular consequence: missense variant.
Genome position (GRCh38, 1-based): chr6:112,120,434, T>C on the plus strand (A>G on the coding strand, the complement: LAMA4 is on the minus strand). VCF-style: chr6-112120434-T-C. GRCh37 (hg19) VCF-style: chr6-112441637-T-C.
Other names: c.4493A>G, p.His1498Arg (NM_001105207.3, NM_002290.5); short protein forms H1505R, H1498R.
Identifiers: ClinVar variation 2447554 (VCV002447554.7), dbSNP rs1778282767, ClinGen allele CA365369933.

ClinVar aggregate classification (germline): Uncertain significance. Review status: criteria provided, multiple submitters, no conflicts (2 of 4 stars). 3 submissions from 3 submitters: Uncertain significance (3). Last evaluated 2025-11-07.

Conditions:
Cardiovascular phenotype. Identifiers: MedGen CN230736.
Dilated cardiomyopathy 1JJ (CMD1JJ). Identifiers: Orphanet 154, MedGen C3808935, MONDO:0014095, OMIM 615235.

Allele frequency attached by ClinVar (database versions not stated): gnomAD exomes below 0.00001.
gnomAD v4.1: 3 of 1,613,944 alleles (0.00019%); highest among the groups gnomAD compares: South Asian, 0.0011%; no homozygotes.

Submissions (3):

Ambry Genetics
Classification: Uncertain significance for Cardiovascular phenotype. Last evaluated: 2025-11-07. Review status: criteria provided, single submitter. Criteria: Ambry Variant Classification Scheme 2023. Collection method: clinical testing. Allele origin: germline.
Comment: The p.H1498R variant (also known as c.4493A>G), located in coding exon 32 of the LAMA4 gene, results from an A to G substitution at nucleotide position 4493. The histidine at codon 1498 is replaced by arginine, an amino acid with highly similar properties. This amino acid position is conserved. In addition, this alteration is predicted to be tolerated by in silico analysis. Since supporting evidence is limited at this time, the clinical significance of this alteration remains unclear.

Labcorp Genetics (formerly Invitae), Labcorp
Classification: Uncertain significance for Dilated cardiomyopathy 1JJ. Last evaluated: 2025-02-03. Review status: criteria provided, single submitter. Criteria: Invitae Variant Classification Sherloc (09022015). Collection method: clinical testing. Allele origin: germline.
Comment: This sequence change replaces histidine, which is basic and polar, with arginine, which is basic and polar, at codon 1498 of the LAMA4 protein (p.His1498Arg). This variant is not present in population databases (gnomAD no frequency). This variant has not been reported in the literature in individuals affected with LAMA4-related conditions. ClinVar contains an entry for this variant (Variation ID: 2447554). Invitae Evidence Modeling of protein sequence and biophysical properties (such as structural, functional, and spatial information, amino acid conservation, physicochemical variation, residue mobility, and thermodynamic stability) indicates that this missense variant is not expected to disrupt LAMA4 protein function with a negative predictive value of 80%. In summary, the available evidence is currently insufficient to determine the role of this variant in disease. Therefore, it has been classified as a Variant of Uncertain Significance.

Clinical Genetics Laboratory, Skane University Hospital Lund
Classification: Uncertain significance. Last evaluated: 2022-10-07. Review status: criteria provided, single submitter. Criteria: ACMG Guidelines, 2015. Collection method: clinical testing. Allele origin: germline. Affected: yes.